The following is an entry in ClinVar:

NM_021072.4(HCN1):c.1910C>T (p.Ala637Val)

Gene: HCN1 (hyperpolarization activated cyclic nucleotide gated potassium channel 1; minus strand). Cytogenetic location: 5p12.
Variant type: single nucleotide variant.
Coding change: c.1910C>T on transcript NM_021072.4 (MANE Select); coding-DNA position 1910, C replaced by T.
Protein change: p.Ala637Val; replaces alanine 637 with valine.
Molecular consequence: missense variant.
Genome position (GRCh38, 1-based): chr5:45,262,684, G>A on the plus strand (C>T on the coding strand, the complement: HCN1 is on the minus strand). VCF-style: chr5-45262684-G-A. GRCh37 (hg19) VCF-style: chr5-45262786-G-A.
Other names: short protein forms A637V.
Identifiers: ClinVar variation 3703664 (VCV003703664.2).

ClinVar aggregate classification (germline): Uncertain significance (1 of 4 stars; one submission).

Conditions:
Early-infantile DEE. Also called: Early infantile epileptic encephalopathy with suppression bursts; Early infantile epileptic encephalopathy; Ohtahara syndrome. Identifiers: Orphanet 1934, MedGen C0393706, MONDO:0800491.

gnomAD v4.1: 2 of 1,614,010 alleles (0.00012%); highest among the groups gnomAD compares: African/African-American, 0.0027%; no homozygotes.

Submission:

Labcorp Genetics (formerly Invitae), Labcorp
Classification: Uncertain significance for Early-infantile DEE. Last evaluated: 2024-02-24. Review status: criteria provided, single submitter. Criteria: Invitae Variant Classification Sherloc (09022015). Collection method: clinical testing. Allele origin: germline.
Comment: This sequence change replaces alanine, which is neutral and non-polar, with valine, which is neutral and non-polar, at codon 637 of the HCN1 protein (p.Ala637Val). This variant is present in population databases (no rsID available, gnomAD 0.008%). This variant has not been reported in the literature in individuals affected with HCN1-related conditions. Advanced modeling of protein sequence and biophysical properties (such as structural, functional, and spatial information, amino acid conservation, physicochemical variation, residue mobility, and thermodynamic stability) performed at Invitae indicates that this missense variant is not expected to disrupt HCN1 protein function with a negative predictive value of 80%. In summary, the available evidence is currently insufficient to determine the role of this variant in disease. Therefore, it has been classified as a Variant of Uncertain Significance.